The following is an entry in ClinVar:

ClinVar aggregate classification (germline): Likely benign (1 of 4 stars; one submission).

Conditions:
Hereditary diffuse gastric adenocarcinoma (HDGC). Also called: DIFFUSE GASTRIC AND LOBULAR BREAST CANCER SYNDROME. Identifiers: Orphanet 26106, MedGen C1708349, MONDO:0007648, OMIM 137215.

Submission:

Myriad Genetics, Inc.
Classification: Likely benign for Hereditary diffuse gastric adenocarcinoma. Last evaluated: 2024-09-23. Review status: criteria provided, single submitter. Criteria: Myriad Autosomal Dominant, Autosomal Recessive and X-Linked Classification Criteria (2023). Collection method: clinical testing. Allele origin: unknown.
Comment: This variant is considered likely benign. This variant is intronic and is not expected to impact mRNA splicing.

NM_004360.5(CDH1):c.2295+7T>A

Gene: CDH1 (cadherin 1; plus strand). Cytogenetic location: 16q22.1.
Variant type: single nucleotide variant.
Coding change: c.2295+7T>A on transcript NM_004360.5 (MANE Select); 7 bases into the intron after coding-DNA position 2295, T replaced by A.
Molecular consequence: intron variant.
Genome position (GRCh38, 1-based): chr16:68,828,311, T>A. VCF-style: chr16-68828311-T-A. GRCh37 (hg19) VCF-style: chr16-68862214-T-A.
Other names: c.747+7T>A (NM_001317185.2); c.330+7T>A (NM_001317186.2); c.2112+7T>A (NM_001317184.2).
Identifiers: ClinVar variation 3378960 (VCV003378960.1).
Genomic context (GRCh38, chr16:68,828,311, plus strand): 5'-ACCCGGGACAACGTTTATTACTATGATGAAGAAGGAGGCGGAGAAGAGGACCAGGTGGGT[T>A]TTGAAAACCTTGGTAGCTCAGTGGTGATCTCTTTATTCGGAAGAAGCAATGATTAGTAAG-3'